The following is an entry in ClinVar:

ClinVar aggregate classification (germline): Uncertain significance (1 of 4 stars; one submission).

Allele frequency attached by ClinVar (database versions not stated): ExAC 0.00001; gnomAD exomes 0.00001; TOPMed 0.00001.
gnomAD v4.1: 19 of 1,613,964 alleles (0.0012%); highest among the groups gnomAD compares: South Asian, 0.0033%; no homozygotes.

Submission:

Labcorp Genetics (formerly Invitae), Labcorp
Classification: Uncertain significance. Last evaluated: 2024-02-26. Review status: criteria provided, single submitter. Criteria: Invitae Variant Classification Sherloc (09022015). Collection method: clinical testing. Allele origin: germline.
Comment: This sequence change replaces glycine, which is neutral and non-polar, with serine, which is neutral and polar, at codon 587 of the HTT protein (p.Gly587Ser). This variant is present in population databases (rs764859997, gnomAD 0.006%). This variant has not been reported in the literature in individuals affected with HTT-related conditions. ClinVar contains an entry for this variant (Variation ID: 1469363). Experimental studies and prediction algorithms are not available or were not evaluated, and the functional significance of this variant is currently unknown. In summary, the available evidence is currently insufficient to determine the role of this variant in disease. Therefore, it has been classified as a Variant of Uncertain Significance.

NM_001388492.1(HTT):c.1753G>A (p.Gly585Ser)

Gene: HTT (huntingtin; plus strand). Cytogenetic location: 4p16.3.
Variant type: single nucleotide variant.
Coding change: c.1753G>A on transcript NM_001388492.1 (MANE Select); coding-DNA position 1753, G replaced by A.
Protein change: p.Gly585Ser; replaces glycine 585 with serine.
Molecular consequence: missense variant.
Genome position (GRCh38, 1-based): chr4:3,129,933, G>A. VCF-style: chr4-3129933-G-A. GRCh37 (hg19) VCF-style: chr4-3131660-G-A.
Other names: c.1759G>A, p.Gly587Ser (NM_002111.8); short protein forms G585S, G587S.
Identifiers: ClinVar variation 1469363 (VCV001469363.6), dbSNP rs764859997, ClinGen allele CA2823629.
Genomic context (GRCh38, chr4:3,129,933, plus strand): 5'-CTCTTGGTGATCACACTTCAAAATTCTCACAGCCCCCCTTGAACCGTTTAGGTGTTAGAC[G>A]GTACCGACAACCAGTATTTGGGCCTGCAGATTGGACAGCCCCAGGATGAAGATGAGGAAG-3'
Protein context (NP_001375421.1, residues 575-595): PSDSSEIVLD[Gly585Ser]TDNQYLGLQI